The following is an entry in ClinVar:

NM_001114753.3(ENG):c.1048_1049delinsA (p.Cys350fs)

Gene: ENG (endoglin; minus strand). Cytogenetic location: 9q34.11.
Variant type: Indel.
Coding change: c.1048_1049delinsA on transcript NM_001114753.3 (MANE Select); coding-DNA positions 1048 to 1049, TG replaced by A.
Protein change: p.Cys350fs; shifts the reading frame from cysteine 350.
Molecular consequence: frameshift variant.
Genome position (GRCh38, 1-based): chr9:127,824,389-127,824,390, CA replaced by T on the plus strand (TG replaced by A on the coding strand, the reverse complement: ENG is on the minus strand). VCF-style: chr9-127824389-CA-T. GRCh37 (hg19) VCF-style: chr9-130586668-CA-T.
Other names: c.1048_1049delinsA, p.Cys350fs (NM_000118.4, NM_001406715.1); c.502_503delinsA, p.Cys168fs (NM_001278138.2); short protein forms C168fs, C350fs.
Identifiers: ClinVar variation 5041964 (VCV005041964.1).
Genomic context (GRCh38, chr9:127,824,389, plus strand): 5'-AGGGTCATGGCGTCGTCGGCACACTTTGTCTGGATCAAGGACATGAGCAGCTCCGGGCTA[CA>T]AGTGTCCTTGGGAGGAGTGGTCTGGATCGGTGCGGGTGAGGTCTGCAGCCTACCACCTGT-3'

ClinVar aggregate classification (germline): Likely pathogenic (1 of 4 stars; one submission).

Conditions:
Telangiectasia, hereditary hemorrhagic, type 1 (HHT1). Also called: Osler Weber Rendu syndrome type 1; ENG-Related Hereditary Hemorrhagic Telangiectasia. Identifiers: Orphanet 774, MedGen C4551861, MONDO:0008535, OMIM 187300. Disease mechanism: loss of function.

Submission:

Medical Genetics Unit, Mauro Baschirotto Institute for Rare Disease
Classification: Likely pathogenic for Telangiectasia, hereditary hemorrhagic, type 1. Last evaluated: 2026-11-03. Review status: criteria provided, single submitter. Criteria: ACMG Guidelines, 2015. Collection method: clinical testing. Allele origin: germline. Affected: yes.
Comment: The ENG c.1048_1049delinsA is a delins variant resulting in a frameshift predicted to generate p.Cys350Ilefs*9 and is expected to lead to nonsense-mediated decay. Loss of function is an established disease mechanism for ENG-related hereditary hemorrhagic telangiectasia (HHT), with numerous pathogenic loss-of-function variants reported in ENG, including multiple pathogenic null variants in exon 8 (PVS1). The variant is extremely rare in population databases (gnomAD), supporting PM2. It was identified in the heterozygous state in two affected individuals from the same family (mother and son), both presenting clinical features consistent with HHT, supporting segregation with the disease phenotype. Based on the available evidence, the variant is classified as Likely Pathogenic, according to ACMG/AMP criteria PVS1 and PM2.